The following is an entry in ClinVar:

ClinVar aggregate classification (germline): Conflicting classifications of pathogenicity. Review status: criteria provided, conflicting classifications (1 of 4 stars). 3 submissions from 3 submitters: Pathogenic (1); Likely pathogenic (1); Uncertain significance (1). Last evaluated 2026-04-08.

Conditions:
Hereditary cancer-predisposing syndrome. Also called: Tumor predisposition; Neoplastic Syndromes, Hereditary; Hereditary Cancer Syndrome; Hereditary neoplastic syndrome. Identifiers: Orphanet 140162, MedGen C0027672, MeSH D009386, MONDO:0015356.
Gorlin syndrome. Also called: Nevoid Basal Cell Carcinoma Syndrome; Basal cell nevus syndrome. Identifiers: Orphanet 377, MedGen C0004779, MONDO:0007187.

Submissions (3):

Ambry Genetics
Classification: Likely pathogenic for Hereditary cancer-predisposing syndrome. Last evaluated: 2026-04-08. Review status: criteria provided, single submitter. Criteria: Ambry Variant Classification Scheme 2023. Collection method: clinical testing. Allele origin: germline.
Comment: The p.A569D variant (also known as c.1706C>A), located in coding exon 12 of the PTCH1 gene, results from a C to A substitution at nucleotide position 1706. The alanine at codon 569 is replaced by aspartic acid, an amino acid with dissimilar properties. This variant was reported in individual(s) with features consistent with nevoid basal cell carcinoma syndrome (Ambry internal data). This amino acid position is conserved. In addition, this alteration is predicted to be deleterious by in silico analysis. This variant is considered to be rare based on population cohorts in the Genome Aggregation Database (gnomAD). Based on the majority of available evidence to date, this variant is likely to be pathogenic.

Labcorp Genetics (formerly Invitae), Labcorp
Classification: Pathogenic for Gorlin syndrome. Last evaluated: 2022-02-11. Review status: criteria provided, single submitter. Criteria: Invitae Variant Classification Sherloc (09022015). Collection method: clinical testing. Allele origin: germline.
Comment: This sequence change replaces alanine, which is neutral and non-polar, with aspartic acid, which is acidic and polar, at codon 569 of the PTCH1 protein (p.Ala569Asp). This variant is not present in population databases (gnomAD no frequency). This missense change has been observed in individual(s) with Gorlin syndrome (Invitae). In at least one individual the variant was observed to be de novo. ClinVar contains an entry for this variant (Variation ID: 640261). Advanced modeling of protein sequence and biophysical properties (such as structural, functional, and spatial information, amino acid conservation, physicochemical variation, residue mobility, and thermodynamic stability) performed at Invitae indicates that this missense variant is expected to disrupt PTCH1 protein function. For these reasons, this variant has been classified as Pathogenic.

Blueprint Genetics
Classification: Uncertain significance. Last evaluated: 2019-02-20. Review status: criteria provided, single submitter. Criteria: ACMG Guidelines, 2015. Collection method: clinical testing. Allele origin: germline.

NM_000264.5(PTCH1):c.1706C>A (p.Ala569Asp)

Gene: PTCH1 (patched 1; minus strand). Cytogenetic location: 9q22.32.
Variant type: single nucleotide variant.
Coding change: c.1706C>A on transcript NM_000264.5 (MANE Select); coding-DNA position 1706, C replaced by A.
Protein change: p.Ala569Asp; replaces alanine 569 with aspartic acid.
Molecular consequence: missense variant. On other transcripts: non-coding transcript variant (1).
Genome position (GRCh38, 1-based): chr9:95,476,056, G>T on the plus strand (C>A on the coding strand, the complement: PTCH1 is on the minus strand). VCF-style: chr9-95476056-G-T. GRCh37 (hg19) VCF-style: chr9-98238338-G-T.
Other names: c.1706C>A (NM_000264.3); c.1508C>A, p.Ala503Asp (NM_001083602.3); c.1703C>A, p.Ala568Asp (NM_001083603.3); c.1253C>A, p.Ala418Asp (NM_001083604.3, NM_001083605.3, NM_001083606.3 and 1 more transcripts); c.1550C>A, p.Ala517Asp (NM_001354918.2); short protein forms A503D, A517D, A569D, A418D, A568D.
Identifiers: ClinVar variation 640261 (VCV000640261.12), dbSNP rs766973191, ClinGen allele CA374117915.